The following is an entry in ClinVar:

NM_007294.4(BRCA1):c.3144T>C (p.Gly1048=)

Gene: BRCA1 (BRCA1 DNA repair associated; minus strand). Cytogenetic location: 17q21.31.
Variant type: single nucleotide variant.
Coding change: c.3144T>C on transcript NM_007294.4 (MANE Select); coding-DNA position 3144, T replaced by C.
Protein change: p.Gly1048=; no amino-acid change (glycine 1048 retained).
Molecular consequence: synonymous variant. On other transcripts: intron variant (137).
Genome position (GRCh38, 1-based): chr17:43,092,387, A>G on the plus strand (T>C on the coding strand, the complement: BRCA1 is on the minus strand). VCF-style: chr17-43092387-A-G. GRCh37 (hg19) VCF-style: chr17-41244404-A-G.
Other names: 3263T/C; c.3141T>C, p.Gly1047= (NM_001407610.1, NM_001407611.1, NM_001407612.1 and 22 more transcripts); c.3144T>C, p.Gly1048= (NM_001407616.1, NM_001407617.1, NM_001407618.1 and 30 more transcripts); c.3135T>C, p.Gly1045= (NM_001407646.1, NM_001407647.1); c.3021T>C, p.Gly1007= (NM_001407648.1, NM_001407664.1, NM_001407665.1 and 19 more transcripts); c.3018T>C, p.Gly1006= (NM_001407649.1, NM_001407670.1, NM_001407671.1 and 11 more transcripts); c.3066T>C, p.Gly1022= (NM_001407653.1, NM_001407654.1, NM_001407655.1 and 4 more transcripts); c.3063T>C, p.Gly1021= (NM_001407659.1, NM_001407660.1, NM_001407661.1 and 1 more transcripts); and 42 more.
Identifiers: ClinVar variation 54778 (VCV000054778.16), dbSNP rs80356837, ClinGen allele CA002050.

ClinVar aggregate classification (germline): Likely benign. Review status: reviewed by expert panel (3 of 4 stars). 6 submissions from 6 submitters: Likely benign (1). 5 of the submissions do not count toward it. Last evaluated 2017-06-29.

Conditions:
Hereditary cancer-predisposing syndrome. Also called: Tumor predisposition; Neoplastic Syndromes, Hereditary; Hereditary Cancer Syndrome; Hereditary neoplastic syndrome. Identifiers: Orphanet 140162, MedGen C0027672, MeSH D009386, MONDO:0015356.
Hereditary breast ovarian cancer syndrome. Also called: Hereditary breast and ovarian cancer syndrome (HBOC); Hereditary breast and ovarian cancer syndrome; Hereditary breast and ovarian cancer; Hereditary breast and/or ovarian cancer syndrome; Breast and ovarian cancer; BRCA1- and BRCA2-Associated Hereditary Breast and Ovarian Cancer. Identifiers: Orphanet 145, MedGen C0677776, MeSH D061325, MONDO:0003582. Disease mechanism: loss of function.
Breast-ovarian cancer, familial, susceptibility to, 1 (BROVCA1). Also called: OVARIAN CANCER, SUSCEPTIBILITY TO; BRCA1 Hereditary Breast and Ovarian Cancer. Identifiers: Orphanet 145, MedGen C2676676, MONDO:0011450, OMIM 604370. Disease mechanism: loss of function.

Allele frequency attached by ClinVar (database versions not stated): gnomAD exomes below 0.00001; TOPMed below 0.00001.
gnomAD v4.1: 1 of 1,613,700 alleles (0.000062%); highest among the groups gnomAD compares: South Asian, 0.0011%; no homozygotes.

Submissions (6):

Evidence-based Network for the Interpretation of Germline Mutant Alleles (ENIGMA)
Classification: Likely benign for Breast-ovarian cancer, familial, susceptibility to, 1. Last evaluated: 2017-06-29. Review status: reviewed by expert panel. Criteria: ENIGMA BRCA1/2 Classification Criteria (2017-06-29). Collection method: curation. Allele origin: germline.
Comment: Synonymous substitution variant, with low bioinformatic likelihood to result in a splicing aberration (Splicing prior probability 0.02).

Labcorp Genetics (formerly Invitae), Labcorp
Classification: Likely benign for Hereditary breast ovarian cancer syndrome. Last evaluated: 2025-09-27. Review status: criteria provided, single submitter. Criteria: Invitae Variant Classification Sherloc (09022015). Collection method: clinical testing. Allele origin: germline. Not counted in ClinVar's aggregate classification.

Sema4
Classification: Likely benign for Hereditary cancer-predisposing syndrome. Last evaluated: 2021-02-18. Review status: criteria provided, single submitter. Criteria: Sema4 Curation Guidelines. Collection method: curation. Allele origin: germline. Not counted in ClinVar's aggregate classification.

Ambry Genetics
Classification: Likely benign for Hereditary cancer-predisposing syndrome. Last evaluated: 2020-09-13. Review status: criteria provided, single submitter. Criteria: Ambry Variant Classification Scheme 2023. Collection method: clinical testing. Allele origin: germline. Not counted in ClinVar's aggregate classification.

Quest Diagnostics Nichols Institute San Juan Capistrano
Classification: Likely benign. Last evaluated: 2020-03-13. Review status: criteria provided, single submitter. Criteria: Quest Diagnostics criteria. Collection method: clinical testing. Allele origin: unknown. Not counted in ClinVar's aggregate classification.

Breast Cancer Information Core (BIC) (BRCA1)
Classification: Uncertain significance for Breast-ovarian cancer, familial 1. Last evaluated: 2000-01-01. Review status: no assertion criteria provided. Collection method: clinical testing. Allele origin: germline. Affected: yes. Observed: 1 variant allele. Not counted in ClinVar's aggregate classification.